The following is an entry in ClinVar:

NM_000447.3(PSEN2):c.772G>A (p.Ala258Thr)

Gene: PSEN2 (presenilin 2; plus strand). Cytogenetic location: 1q42.13.
Variant type: single nucleotide variant.
Coding change: c.772G>A on transcript NM_000447.3 (MANE Select); coding-DNA position 772, G replaced by A.
Protein change: p.Ala258Thr; replaces alanine 258 with threonine.
Molecular consequence: missense variant.
Genome position (GRCh38, 1-based): chr1:226,889,034, G>A. VCF-style: chr1-226889034-G-A. GRCh37 (hg19) VCF-style: chr1-227076735-G-A.
Other names: p.Ala258Thr; c.772G>A, p.Ala258Thr (NM_012486.3); short protein forms A258T.
Identifiers: ClinVar variation 652702 (VCV000652702.14), dbSNP rs148238688, ClinGen allele CA1424635.

ClinVar aggregate classification (germline): Uncertain significance. Review status: criteria provided, multiple submitters, no conflicts (2 of 4 stars). 5 submissions from 5 submitters: Uncertain significance (5). Last evaluated 2026-08-03.

Conditions:
PSEN2-related disorder. Also called: PSEN2-related condition.
Alzheimer disease 4 (AD4). Identifiers: Orphanet 1020, MedGen C1847200, MONDO:0011743, OMIM 606889.
Dilated cardiomyopathy 1V (CMD1V). Identifiers: Orphanet 154, MedGen C3150958, MONDO:0013373, OMIM 613697.

Allele frequency attached by ClinVar (database versions not stated): ExAC 0.00011; gnomAD exomes 0.00012; TOPMed 0.00013; gnomAD 0.00014; ESP Exome Variant Server 0.00062.
gnomAD v4.1: 377 of 1,613,620 alleles (0.023%); highest among the groups gnomAD compares: Non-Finnish European, 0.029%; no homozygotes.

Submissions (5):

PreventionGenetics, part of Exact Sciences
Classification: Uncertain significance for PSEN2-related condition. Last evaluated: 2026-08-03. Review status: criteria provided, single submitter. Criteria: ACMG Guidelines, 2015. Collection method: clinical testing. Allele origin: germline.
Comment: The PSEN2 c.772G>A variant is predicted to result in the amino acid substitution p.Ala258Thr. This variant has been reported in an individual with frontotemporal dementia (Minguillón Pereiro et al. 2024. PubMed ID: 39200345). This variant is reported in 0.022% of alleles in individuals of European (non-Finnish) descent in gnomAD, which is likely too common to be a primary cause of disease. Although we suspect that this variant may be benign, the clinical significance of this variant is uncertain at this time due to the absence of conclusive functional and genetic evidence.

Dasa
Classification: Uncertain significance. Last evaluated: 2026-04-14. Review status: criteria provided, single submitter. Criteria: DASA Assertion Criteria. Collection method: clinical testing. Allele origin: germline.
Comment: NM_000447.3(PSEN2):c.772G>A (p.Ala258Thr) is a missense variant that results in the substitution of alanine with threonine. This variant is rare in population databases. Computational prediction algorithms are consistent with a deleterious effect. The currently available literature and clinical evidence are not sufficient to establish a definitive association between this variant and the reported condition. Therefore, this variant is classified as a variant of uncertain significance.

Labcorp Genetics (formerly Invitae), Labcorp
Classification: Uncertain significance for Alzheimer disease 4. Last evaluated: 2025-11-16. Review status: criteria provided, single submitter. Criteria: Invitae Variant Classification Sherloc (09022015). Collection method: clinical testing. Allele origin: germline.
Comment: This sequence change replaces alanine, which is neutral and non-polar, with threonine, which is neutral and polar, at codon 258 of the PSEN2 protein (p.Ala258Thr). This variant is present in population databases (rs148238688, gnomAD 0.02%). This variant has not been reported in the literature in individuals affected with PSEN2-related conditions. ClinVar contains an entry for this variant (Variation ID: 652702). Invitae Evidence Modeling of protein sequence and biophysical properties (such as structural, functional, and spatial information, amino acid conservation, physicochemical variation, residue mobility, and thermodynamic stability) indicates that this missense variant is not expected to disrupt PSEN2 protein function with a negative predictive value of 80%. In summary, the available evidence is currently insufficient to determine the role of this variant in disease. Therefore, it has been classified as a Variant of Uncertain Significance.

Mayo Clinic Laboratories, Mayo Clinic
Classification: Uncertain significance. Last evaluated: 2023-05-31. Review status: criteria provided, single submitter. Criteria: ACMG Guidelines, 2015. Collection method: clinical testing. Allele origin: germline. Observed: 1 variant allele.
Comment: BS2, PP3

Fulgent Genetics
Classification: Uncertain significance for Alzheimer disease 4; Dilated cardiomyopathy 1V. Last evaluated: 2021-11-08. Review status: criteria provided, single submitter. Criteria: ACMG Guidelines, 2015. Collection method: clinical testing. Allele origin: unknown.

Literature cited by the submitters: PubMed 25937274 (cited by Mayo Clinic Laboratories, Mayo Clinic).